The following is an entry in ClinVar:

NM_205834.4(LSR):c.787G>A (p.Ala263Thr)

Gene: LSR (lipolysis stimulated lipoprotein receptor; plus strand). Cytogenetic location: 19q13.12.
Variant type: single nucleotide variant.
Coding change: c.787G>A on transcript NM_205834.4 (MANE Select); coding-DNA position 787, G replaced by A.
Protein change: p.Ala263Thr; replaces alanine 263 with threonine.
Molecular consequence: missense variant.
Genome position (GRCh38, 1-based): chr19:35,266,367, G>A. VCF-style: chr19-35266367-G-A. GRCh37 (hg19) VCF-style: chr19-35757270-G-A.
Other names: c.931G>A (NM_205834.3); c.730G>A, p.Ala244Thr (NM_001260489.2, NM_015925.7); c.463G>A, p.Ala155Thr (NM_001260490.2); c.583G>A, p.Ala195Thr (NM_001385215.1, NM_205835.4); short protein forms A244T, A155T, A263T, A195T.
Identifiers: ClinVar variation 2969294 (VCV002969294.4), dbSNP rs755518851, ClinGen allele CA9374854.

ClinVar aggregate classification (germline): Uncertain significance. Review status: criteria provided, multiple submitters, no conflicts (2 of 4 stars). 2 submissions from 2 submitters: Uncertain significance (2). Last evaluated 2026-08-20.

Conditions:
LSR-related condition.

Allele frequency attached by ClinVar (database versions not stated): ExAC 0.00001; gnomAD exomes 0.00001.

Submissions (2):

PreventionGenetics, part of Exact Sciences
Classification: Uncertain significance for LSR-related condition. Last evaluated: 2026-08-20. Review status: criteria provided, single submitter. Criteria: ACMG Guidelines, 2015. Collection method: clinical testing. Allele origin: germline.
Comment: The LSR c.931G>A variant is predicted to result in the amino acid substitution p.Ala311Thr. To our knowledge, this variant has not been reported in the literature. This variant is reported in 0.0039% of alleles in individuals of South Asian descent in gnomAD. At this time, the clinical significance of this variant is uncertain due to the absence of conclusive functional and genetic evidence.

Labcorp Genetics (formerly Invitae), Labcorp
Classification: Uncertain significance. Last evaluated: 2023-04-29. Review status: criteria provided, single submitter. Criteria: Invitae Variant Classification Sherloc (09022015). Collection method: clinical testing. Allele origin: germline.
Comment: In summary, the available evidence is currently insufficient to determine the role of this variant in disease. Therefore, it has been classified as a Variant of Uncertain Significance. An algorithm developed to predict the effect of missense changes on protein structure and function (PolyPhen-2) suggests that this variant is likely to be disruptive. This variant has not been reported in the literature in individuals affected with LSR-related conditions. The frequency data for this variant in the population databases is considered unreliable, as metrics indicate poor data quality at this position in the gnomAD database. This sequence change replaces alanine, which is neutral and non-polar, with threonine, which is neutral and polar, at codon 311 of the LSR protein (p.Ala311Thr).